The following is an entry in ClinVar:

ClinVar aggregate classification (germline): Uncertain significance (1 of 4 stars; one submission).

Conditions:
Hypertrophic cardiomyopathy 26. Also called: Cardiomyopathy, familial hypertrophic, 26. Identifiers: Orphanet 75249, MedGen C4310749, MONDO:0014883, OMIM 617047.
Myofibrillar myopathy 5. Also called: Filaminopathy (type); FILAMINOPATHY, AUTOSOMAL DOMINANT. Identifiers: Orphanet 171445, MedGen C1836050, MONDO:0012289, OMIM 609524.
Distal myopathy with posterior leg and anterior hand involvement. Also called: WILLIAMS DISTAL MYOPATHY. Identifiers: Orphanet 63273, MedGen C3279722, MONDO:0013550, OMIM 614065.

Submission:

Labcorp Genetics (formerly Invitae), Labcorp
Classification: Uncertain significance for Distal myopathy with posterior leg and anterior hand involvement; Myofibrillar myopathy 5; Hypertrophic cardiomyopathy 26. Last evaluated: 2024-03-30. Review status: criteria provided, single submitter. Criteria: Invitae Variant Classification Sherloc (09022015). Collection method: clinical testing. Allele origin: germline.
Comment: This sequence change replaces glycine, which is neutral and non-polar, with aspartic acid, which is acidic and polar, at codon 1127 of the FLNC protein (p.Gly1127Asp). This variant is not present in population databases (gnomAD no frequency). This variant has not been reported in the literature in individuals affected with FLNC-related conditions. Advanced modeling of protein sequence and biophysical properties (such as structural, functional, and spatial information, amino acid conservation, physicochemical variation, residue mobility, and thermodynamic stability) has been performed at Invitae for this missense variant, however the output from this modeling did not meet the statistical confidence thresholds required to predict the impact of this variant on FLNC protein function. In summary, the available evidence is currently insufficient to determine the role of this variant in disease. Therefore, it has been classified as a Variant of Uncertain Significance.

NM_001458.5(FLNC):c.3380G>A (p.Gly1127Asp)

Gene: FLNC (filamin C; plus strand). Cytogenetic location: 7q32.1.
Variant type: single nucleotide variant.
Coding change: c.3380G>A on transcript NM_001458.5 (MANE Select); coding-DNA position 3380, G replaced by A.
Protein change: p.Gly1127Asp; replaces glycine 1127 with aspartic acid.
Molecular consequence: missense variant.
Genome position (GRCh38, 1-based): chr7:128,844,845, G>A. VCF-style: chr7-128844845-G-A. GRCh37 (hg19) VCF-style: chr7-128484899-G-A.
Other names: c.3380G>A, p.Gly1127Asp (NM_001127487.2); short protein forms G1127D.
Identifiers: ClinVar variation 3763460 (VCV003763460.2).
Genomic context (GRCh38, chr7:128,844,845, plus strand): 5'-TCGAGTGCCAGGACAATGGTGATGGCTCATGTGCTGTCAGCTACCTGCCCACGGAGCCTG[G>A]CGAGTACACCATCAACATCCTGTTTGCTGAGGCCCACATCCCTGGCTCGCCCTTCAAAGC-3'
Protein context (NP_001449.3, residues 1117-1137): CAVSYLPTEP[Gly1127Asp]EYTINILFAE